The following is an entry in ClinVar:

NM_000455.5(STK11):c.1142G>A (p.Gly381Glu)

Gene: STK11 (serine/threonine kinase 11; plus strand). Cytogenetic location: 19p13.3.
Variant type: single nucleotide variant.
Coding change: c.1142G>A on transcript NM_000455.5 (MANE Select); coding-DNA position 1142, G replaced by A.
Protein change: p.Gly381Glu; replaces glycine 381 with glutamic acid.
Molecular consequence: missense variant.
Genome position (GRCh38, 1-based): chr19:1,226,487, G>A. VCF-style: chr19-1226487-G-A. GRCh37 (hg19) VCF-style: chr19-1226486-G-A.
Other names: short protein forms G381E.
Identifiers: ClinVar variation 403795 (VCV000403795.9), dbSNP rs765419233, ClinGen allele CA16616239.

ClinVar aggregate classification (germline): Conflicting classifications of pathogenicity. Review status: criteria provided, conflicting classifications (1 of 4 stars). 2 submissions from 2 submitters: Uncertain significance (1); Likely benign (1). Last evaluated 2026-09-11.

Conditions:
Peutz-Jeghers syndrome (PJS). Also called: Peutz-Jeghers polyposis; Periorificial lentiginosis syndrome; POLYPOSIS, HAMARTOMATOUS INTESTINAL; POLYPS-AND-SPOTS SYNDROME. Identifiers: Orphanet 2869, MedGen C0031269, MeSH D010580, MONDO:0008280, OMIM 175200.
Hereditary cancer-predisposing syndrome. Also called: Neoplastic Syndromes, Hereditary; Hereditary Cancer Syndrome; Tumor predisposition; Hereditary neoplastic syndrome. Identifiers: Orphanet 140162, MedGen C0027672, MeSH D009386, MONDO:0015356.

Submissions (2):

Ambry Genetics
Classification: Likely benign for Hereditary cancer-predisposing syndrome. Last evaluated: 2026-09-11. Review status: criteria provided, single submitter. Criteria: Ambry Variant Classification Scheme 2023. Collection method: clinical testing. Allele origin: germline.

Labcorp Genetics (formerly Invitae), Labcorp
Classification: Uncertain significance for Peutz-Jeghers syndrome. Last evaluated: 2016-04-09. Review status: criteria provided, single submitter. Criteria: Invitae Variant Classification Sherloc (09022015). Collection method: clinical testing. Allele origin: germline.
Comment: This variant is not present in population databases (ExAC no frequency) and has not been reported in the literature in individuals with a STK11-related disease. Algorithms developed to predict the effect of missense changes on protein structure and function (SIFT, PolyPhen-2, Align-GVGD) all suggest that this variant is likely to be tolerated, but these predictions have not been confirmed by published functional studies. In summary, this variant is a novel missense change that is not predicted to affect protein function. There is no indication that it causes disease, but the available evidence is currently insufficient to prove that conclusively. Therefore, it has been classified as a Variant of Uncertain Significance. This sequence change replaces glycine with glutamic acid at codon 381 of the STK11 protein (p.Gly381Glu). The glycine residue is moderately conserved and there is a moderate physicochemical difference between glycine and glutamic acid.